The following is an entry in ClinVar:

NM_021222.3(PRUNE1):c.290C>G (p.Ala97Gly)

Gene: PRUNE1 (prune exopolyphosphatase 1; plus strand). Cytogenetic location: 1q21.3.
Variant type: single nucleotide variant.
Coding change: c.290C>G on transcript NM_021222.3 (MANE Select); coding-DNA position 290, C replaced by G.
Protein change: p.Ala97Gly; replaces alanine 97 with glycine.
Molecular consequence: missense variant. On other transcripts: intron variant (1).
Genome position (GRCh38, 1-based): chr1:151,018,624, C>G. VCF-style: chr1-151018624-C-G. GRCh37 (hg19) VCF-style: chr1-150991100-C-G.
Other names: c.290C>G, p.Ala97Gly (NM_001303242.2); c.31C>G, p.Leu11Val (NM_001303243.2); c.-212+720C>G (NM_001303229.2); short protein forms A97G, L11V.
Identifiers: ClinVar variation 2116123 (VCV002116123.4), dbSNP rs2528344754, ClinGen allele CA341903539.

ClinVar aggregate classification (germline): Uncertain significance (1 of 4 stars; one submission).

Allele frequency attached by ClinVar (database versions not stated): gnomAD exomes below 0.00001.
gnomAD v4.1: 1 of 1,614,206 alleles (0.000062%); highest among the groups gnomAD compares: Admixed American, 0.0017%; no homozygotes.

Submission:

Labcorp Genetics (formerly Invitae), Labcorp
Classification: Uncertain significance. Last evaluated: 2024-06-03. Review status: criteria provided, single submitter. Criteria: Invitae Variant Classification Sherloc (09022015). Collection method: clinical testing. Allele origin: germline.
Comment: This sequence change replaces alanine, which is neutral and non-polar, with glycine, which is neutral and non-polar, at codon 97 of the PRUNE1 protein (p.Ala97Gly). This variant is not present in population databases (gnomAD no frequency). This variant has not been reported in the literature in individuals affected with PRUNE1-related conditions. ClinVar contains an entry for this variant (Variation ID: 2116123). Advanced modeling of protein sequence and biophysical properties (such as structural, functional, and spatial information, amino acid conservation, physicochemical variation, residue mobility, and thermodynamic stability) performed at Invitae indicates that this missense variant is not expected to disrupt PRUNE1 protein function with a negative predictive value of 80%. In summary, the available evidence is currently insufficient to determine the role of this variant in disease. Therefore, it has been classified as a Variant of Uncertain Significance.